The following is an entry in ClinVar:

NM_003052.5(SLC34A1):c.1139A>T (p.Gln380Leu)

Gene: SLC34A1 (solute carrier family 34 member 1; plus strand). Cytogenetic location: 5q35.3.
Variant type: single nucleotide variant.
Coding change: c.1139A>T on transcript NM_003052.5 (MANE Select); coding-DNA position 1139, A replaced by T.
Protein change: p.Gln380Leu; replaces glutamine 380 with leucine.
Molecular consequence: missense variant.
Genome position (GRCh38, 1-based): chr5:177,394,160, A>T. VCF-style: chr5-177394160-A-T. GRCh37 (hg19) VCF-style: chr5-176821161-A-T.
Other names: short protein forms Q380L.
Identifiers: ClinVar variation 2581903 (VCV002581903.1), dbSNP rs2481023177, ClinGen allele CA362312725.
Genomic context (GRCh38, chr5:177,394,160, plus strand): 5'-TGCTGCTGTGCACCTGCCTCATCCTCCTAGTCAAGATGCTCAACTCCCTGCTCAAGGGCC[A>T]AGTGGCCAAGGTCATCCAGAAGGTCATCAATACGGGTGAGCTGCGAGCAGTTGACTGGGC-3'
Protein context (NP_003043.3, residues 370-390): VKMLNSLLKG[Gln380Leu]VAKVIQKVIN

ClinVar aggregate classification (germline): Uncertain significance (1 of 4 stars; one submission).

Submission:

GeneDx
Classification: Uncertain significance. Last evaluated: 2023-03-26. Review status: criteria provided, single submitter. Criteria: GeneDx Variant Classification Process June 2021. Collection method: clinical testing. Allele origin: germline. Affected: yes.
Comment: Not observed at significant frequency in large population cohorts (gnomAD); In silico analysis supports that this missense variant has a deleterious effect on protein structure/function; Has not been previously published as pathogenic or benign to our knowledge